The following is an entry in ClinVar:

ClinVar aggregate classification (germline): Uncertain significance. Review status: criteria provided, multiple submitters, no conflicts (2 of 4 stars). 3 submissions from 3 submitters: Uncertain significance (3). Last evaluated 2024-02-02.

Conditions:
Hereditary cancer-predisposing syndrome. Also called: Neoplastic Syndromes, Hereditary; Tumor predisposition; Hereditary Cancer Syndrome; Hereditary neoplastic syndrome. Identifiers: Orphanet 140162, MedGen C0027672, MeSH D009386, MONDO:0015356.
Ataxia-telangiectasia-like disorder (ATLD). Identifiers: MedGen C1858391, MONDO:0011457.
Ataxia-telangiectasia-like disorder 1 (ATLD1). Identifiers: Orphanet 251347, MedGen C4012790, MONDO:0024557, OMIM 604391.

Allele frequency attached by ClinVar (database versions not stated): gnomAD 0.00001; TOPMed 0.00001.

Submissions (3):

Fulgent Genetics
Classification: Uncertain significance for Ataxia-telangiectasia-like disorder 1. Last evaluated: 2024-02-02. Review status: criteria provided, single submitter. Criteria: ACMG Guidelines, 2015. Collection method: clinical testing. Allele origin: germline.

Labcorp Genetics (formerly Invitae), Labcorp
Classification: Uncertain significance for Ataxia-telangiectasia-like disorder. Last evaluated: 2023-06-24. Review status: criteria provided, single submitter. Criteria: Invitae Variant Classification Sherloc (09022015). Collection method: clinical testing. Allele origin: germline.
Comment: This variant has not been reported in the literature in individuals affected with MRE11-related conditions. In summary, the available evidence is currently insufficient to determine the role of this variant in disease. Therefore, it has been classified as a Variant of Uncertain Significance. Algorithms developed to predict the effect of missense changes on protein structure and function output the following: SIFT: "Not Available"; PolyPhen-2: "Benign"; Align-GVGD: "Not Available". The valine amino acid residue is found in multiple mammalian species, which suggests that this missense change does not adversely affect protein function. ClinVar contains an entry for this variant (Variation ID: 231445). This variant is not present in population databases (gnomAD no frequency). This sequence change replaces isoleucine, which is neutral and non-polar, with valine, which is neutral and non-polar, at codon 548 of the MRE11 protein (p.Ile548Val).

Ambry Genetics
Classification: Uncertain significance for Hereditary cancer-predisposing syndrome. Last evaluated: 2015-04-20. Review status: criteria provided, single submitter. Criteria: Ambry Variant Classification Scheme 2023. Collection method: clinical testing. Allele origin: germline.
Comment: The p.I548V variant (also known as c.1642A>G), located in coding exon 14 of the MRE11A gene, results from an A to G substitution at nucleotide position 1642. The isoleucine at codon 548 is replaced by valine, an amino acid with highly similar properties. This variant was not reported in population based cohorts in the following databases: Database of Single Nucleotide Polymorphisms (dbSNP), NHLBI Exome Sequencing Project (ESP), and 1000 Genomes Project. In the ESP, this variant was not observed in 6499 samples (12998 alleles) with coverage at this position. To date, this alteration has been detected with an allele frequency of approximately 0.002% (greater than 65000 alleles tested) in our clinical cohort. This amino acid position is not well conserved in available vertebrate species. In addition, this alteration is predicted to be tolerated by in silico analysis. Since supporting evidence is limited at this time, the clinical significance of p.I548V remains unclear.

NM_005591.4(MRE11):c.1642A>G (p.Ile548Val)

Gene: MRE11 (MRE11 double strand break repair nuclease; minus strand). Cytogenetic location: 11q21.
Variant type: single nucleotide variant.
Coding change: c.1642A>G on transcript NM_005591.4 (MANE Select); coding-DNA position 1642, A replaced by G.
Protein change: p.Ile548Val; replaces isoleucine 548 with valine.
Molecular consequence: missense variant.
Genome position (GRCh38, 1-based): chr11:94,447,360, T>C on the plus strand (A>G on the coding strand, the complement: MRE11 is on the minus strand). VCF-style: chr11-94447360-T-C. GRCh37 (hg19) VCF-style: chr11-94180526-T-C.
Other names: c.1642A>G, p.Ile548Val (NM_001330347.2, NM_005590.4); short protein forms I548V.
Identifiers: ClinVar variation 231445 (VCV000231445.13), dbSNP rs876659165, ClinGen allele CA10579367.